The following is an entry in ClinVar:

ClinVar aggregate classification (germline): Likely benign (1 of 4 stars; one submission).

Conditions:
MKKS-related disorder. Also called: MKKS-related disorders; MKKS-related condition.

gnomAD v4.1: 6 of 1,614,098 alleles (0.00037%); highest among the groups gnomAD compares: Admixed American, 0.0033%; no homozygotes.

Submission:

PreventionGenetics, part of Exact Sciences
Classification: Likely benign for MKKS-related condition. Last evaluated: 2026-07-09. Review status: criteria provided, single submitter. Criteria: ACMG Guidelines, 2015. Collection method: clinical testing. Allele origin: germline.
Comment: This variant is classified as likely benign based on ACMG/AMP sequence variant interpretation guidelines (Richards et al. 2015 PMID: 25741868, with internal and published modifications).

NM_170784.3(MKKS):c.339C>T (p.Pro113=)

Gene: MKKS (MKKS centrosomal shuttling protein; minus strand). Cytogenetic location: 20p12.2.
Variant type: single nucleotide variant.
Coding change: c.339C>T on transcript NM_170784.3 (MANE Select); coding-DNA position 339, C replaced by T.
Protein change: p.Pro113=; no amino-acid change (proline 113 retained).
Molecular consequence: synonymous variant.
Genome position (GRCh38, 1-based): chr20:10,413,176, G>A on the plus strand (C>T on the coding strand, the complement: MKKS is on the minus strand). VCF-style: chr20-10413176-G-A. GRCh37 (hg19) VCF-style: chr20-10393824-G-A.
Other names: c.339C>T, p.Pro113= (NM_018848.3).
Identifiers: ClinVar variation 5000175 (VCV005000175.1).